The following is an entry in ClinVar:

ClinVar aggregate classification (germline): Likely benign. Review status: criteria provided, multiple submitters, no conflicts (2 of 4 stars). 5 submissions from 5 submitters: Likely benign (4). 1 of the submissions does not count toward it. Last evaluated 2026-09-01.

Conditions:
LAMA5-related disorder. Also called: LAMA5-Related Disorders; LAMA5-related condition.

Allele frequency attached by ClinVar (database versions not stated): gnomAD 0.00121 and 0.00128; gnomAD exomes 0.00145 and 0.00163; TOPMed 0.00167; 1000 Genomes Project 0.00180; ExAC 0.00186; 1000 Genomes Project 30x 0.00187.
gnomAD v4.1: 2,620 of 1,605,200 alleles (0.16%); highest among the groups gnomAD compares: Middle Eastern, 0.98%; 9 homozygotes.

Submissions (5):

CeGaT Center for Human Genetics Tuebingen
Classification: Likely benign. Last evaluated: 2026-09-01. Review status: criteria provided, single submitter. Criteria: CeGaT Center For Human Genetics Tuebingen Variant Classification Criteria Version 2. Collection method: clinical testing. Allele origin: germline. Affected: yes. Observed: 10 variant alleles.
Comment: LAMA5: BS2

Labcorp Genetics (formerly Invitae), Labcorp
Classification: Likely benign. Last evaluated: 2026-01-27. Review status: criteria provided, single submitter. Criteria: Invitae Variant Classification Sherloc (09022015). Collection method: clinical testing. Allele origin: germline.

Blueprint Genetics
Classification: Likely benign. Last evaluated: 2024-11-25. Review status: criteria provided, single submitter. Criteria: ACMG Guidelines, 2015. Collection method: clinical testing. Allele origin: germline.

Breakthrough Genomics
Classification: Likely benign. Review status: criteria provided, single submitter. Criteria: ACMG Guidelines, 2015. Collection method: not provided. Allele origin: germline. Inheritance: Autosomal recessive inheritance. Affected: yes.

PreventionGenetics, part of Exact Sciences
Classification: Likely benign for LAMA5-related condition. Last evaluated: 2022-09-01. Review status: no assertion criteria provided. Collection method: clinical testing. Allele origin: germline. Not counted in ClinVar's aggregate classification.
Comment: This variant is classified as likely benign based on ACMG/AMP sequence variant interpretation guidelines (Richards et al. 2015 PMID: 25741868, with internal and published modifications).

NM_005560.6(LAMA5):c.6982G>A (p.Ala2328Thr)

Gene: LAMA5 (laminin subunit alpha 5; minus strand). Cytogenetic location: 20q13.33.
Variant type: single nucleotide variant.
Coding change: c.6982G>A on transcript NM_005560.6 (MANE Select); coding-DNA position 6982, G replaced by A.
Protein change: p.Ala2328Thr; replaces alanine 2328 with threonine.
Molecular consequence: missense variant.
Genome position (GRCh38, 1-based): chr20:62,318,903, C>T on the plus strand (G>A on the coding strand, the complement: LAMA5 is on the minus strand). VCF-style: chr20-62318903-C-T. GRCh37 (hg19) VCF-style: chr20-60893959-C-T.
Other names: short protein forms A2328T.
Identifiers: ClinVar variation 784725 (VCV000784725.34), dbSNP rs199615528, ClinGen allele CA9941478.